The following is an entry in ClinVar:

NM_007294.4(BRCA1):c.5098A>C (p.Thr1700Pro)

Gene: BRCA1 (BRCA1 DNA repair associated; minus strand). Cytogenetic location: 17q21.31.
Variant type: single nucleotide variant.
Coding change: c.5098A>C on transcript NM_007294.4 (MANE Select); coding-DNA position 5098, A replaced by C.
Protein change: p.Thr1700Pro; replaces threonine 1700 with proline.
Molecular consequence: missense variant. On other transcripts: non-coding transcript variant (1).
Genome position (GRCh38, 1-based): chr17:43,063,928, T>G on the plus strand (A>C on the coding strand, the complement: BRCA1 is on the minus strand). VCF-style: chr17-43063928-T-G. GRCh37 (hg19) VCF-style: chr17-41215945-T-G.
Other names: c.1786A>C, p.Thr596Pro (NM_007298.4, NM_007299.4, NM_007304.2 and 13 more transcripts); c.5161A>C, p.Thr1721Pro (NM_007300.4, NM_001407583.1, NM_001407585.1 and 1 more transcripts); c.4885A>C, p.Thr1629Pro (NM_001407571.1, NM_001407894.1, NM_001407895.1 and 12 more transcripts); c.5164A>C, p.Thr1722Pro (NM_001407581.1, NM_001407582.1); c.5158A>C, p.Thr1720Pro (NM_001407590.1, NM_001407591.1); c.5098A>C, p.Thr1700Pro (NM_001407593.1, NM_001407594.1, NM_001407596.1 and 7 more transcripts); c.5095A>C, p.Thr1699Pro (NM_001407616.1, NM_001407617.1, NM_001407618.1 and 17 more transcripts); c.5092A>C, p.Thr1698Pro (NM_001407635.1, NM_001407636.1, NM_001407637.1 and 14 more transcripts); and 71 more; short protein forms T1700P, T596P, T1653P, T1721P, T1403P, T1531P, T1588P, T1628P.
Identifiers: ClinVar variation 531317 (VCV000531317.15), dbSNP rs397509227, ClinGen allele CA10591333.
Genomic context (GRCh38, chr17:43,063,928, plus strand): 5'-ACTTACAGAAATAGCTAACTACCCATTTTCCTCCCGCAATTCCTAGAAAATATTTCAGTG[T>G]CCGTTCACACACAAACTCAGCATCTGCAGAATGAAAAACACTCAAAGGATTAGAAGTTGA-3'
Protein context (NP_009225.1, residues 1690-1710): KTDAEFVCER[Thr1700Pro]LKYFLGIAGG

ClinVar aggregate classification (germline): Uncertain significance. Review status: criteria provided, multiple submitters, no conflicts (2 of 4 stars). 2 submissions from 2 submitters: Uncertain significance (2). Last evaluated 2019-05-30.

Conditions:
Hereditary breast ovarian cancer syndrome. Also called: Breast and ovarian cancer; Hereditary breast and/or ovarian cancer syndrome; BRCA1- and BRCA2-Associated Hereditary Breast and Ovarian Cancer; Hereditary breast and ovarian cancer syndrome; Hereditary breast and ovarian cancer syndrome (HBOC); Hereditary breast and ovarian cancer. Identifiers: Orphanet 145, MedGen C0677776, MeSH D061325, MONDO:0003582. Disease mechanism: loss of function.
Hereditary cancer-predisposing syndrome. Also called: Tumor predisposition; Hereditary Cancer Syndrome; Hereditary neoplastic syndrome; Neoplastic Syndromes, Hereditary. Identifiers: Orphanet 140162, MedGen C0027672, MeSH D009386, MONDO:0015356.

Submissions (3):

Color Diagnostics, LLC DBA Color Health
Classification: Uncertain significance for Hereditary cancer-predisposing syndrome. Last evaluated: 2019-05-30. Review status: criteria provided, single submitter. Criteria: ACMG Guidelines, 2015. Collection method: clinical testing. Allele origin: germline.

Labcorp Genetics (formerly Invitae), Labcorp
Classification: Uncertain significance for Hereditary breast ovarian cancer syndrome. Last evaluated: 2017-11-28. Review status: criteria provided, single submitter. Criteria: Invitae Variant Classification Sherloc (09022015). Collection method: clinical testing. Allele origin: germline.
Comment: This variant is not present in population databases (ExAC no frequency). In summary, the available evidence is currently insufficient to determine the role of this variant in disease. Therefore, it has been classified as a Variant of Uncertain Significance. Algorithms developed to predict the effect of missense changes on protein structure and function (SIFT, PolyPhen-2, Align-GVGD) all suggest that this variant is likely to be disruptive, but these predictions have not been confirmed by published functional studies and their clinical significance is uncertain. This variant has not been reported in the literature in individuals with BRCA1-related disease. This sequence change replaces threonine with proline at codon 1700 of the BRCA1 protein (p.Thr1700Pro). The threonine residue is highly conserved and there is a small physicochemical difference between threonine and proline.

Brotman Baty Institute, University of Washington
No classification provided (evidence only). Condition: Breast-ovarian cancer, familial 1. Review status: no classification provided. Collection method: in vitro. Allele origin: not applicable. Functional consequence: functionally_abnormal. Not counted in ClinVar's aggregate classification.
ClinVar note: "not provided" was previously submitted as the classification for the variant. However, the classification appeared to be based only on an observation of functional data so it was converted to no classification on 2025-07-30.